The following is an entry in ClinVar:

NC_000023.10:g.(?_31645780)_(31645989_?)del

Gene: DMD (dystrophin; minus strand). Cytogenetic location: Xp21.1.
Variant type: Deletion.
Identifiers: ClinVar variation 1075226 (VCV001075226.1).

ClinVar aggregate classification (germline): Pathogenic (1 of 4 stars; one submission).

Conditions:
Duchenne muscular dystrophy (DMD). Also called: MUSCULAR DYSTROPHY, PSEUDOHYPERTROPHIC PROGRESSIVE, DUCHENNE TYPE; Duchenne Muscular Dystrophy (DMD). Identifiers: Orphanet 98896, MedGen C0013264, MONDO:0010679, OMIM 310200.

Submission:

Labcorp Genetics (formerly Invitae), Labcorp
Classification: Pathogenic for Duchenne muscular dystrophy. Last evaluated: 2020-10-28. Review status: criteria provided, single submitter. Criteria: Invitae Variant Classification Sherloc (09022015). Collection method: clinical testing. Allele origin: germline.
Comment: This variant is a gross deletion of the genomic region encompassing exon(s) 55 of the DMD gene. This deletion is out-of-frame, and is expected to create a premature translational stop signal and result in an absent or disrupted protein product. Loss-of-function variants in DMD are known to be pathogenic (PMID: 16770791, 25007885). Similar deletions of exon 55 have been observed in individual(s) with Duchenne or Becker muscular dystrophy (PMID: 20683981, 22090376, 21896784). For these reasons, this variant has been classified as Pathogenic.

Literature cited by the submitters: PubMed 16770791; PubMed 25007885; PubMed 20683981; PubMed 22090376; PubMed 21896784.